The following is an entry in ClinVar:

ClinVar aggregate classification (germline): Uncertain significance (1 of 4 stars; one submission).

Conditions:
EGFR-related lung cancer (EGFR). Identifiers: MedGen CN130014.

Submission:

Labcorp Genetics (formerly Invitae), Labcorp
Classification: Uncertain significance for EGFR-related lung cancer. Last evaluated: 2021-12-17. Review status: criteria provided, single submitter. Criteria: Invitae Variant Classification Sherloc (09022015). Collection method: clinical testing. Allele origin: germline.
Comment: In summary, the available evidence is currently insufficient to determine the role of this variant in disease. Therefore, it has been classified as a Variant of Uncertain Significance. Algorithms developed to predict the effect of missense changes on protein structure and function are either unavailable or do not agree on the potential impact of this missense change (SIFT: "Deleterious"; PolyPhen-2: "Possibly Damaging"; Align-GVGD: "Class C0"). This variant has not been reported in the literature in individuals affected with EGFR-related conditions. This variant is not present in population databases (gnomAD no frequency). This sequence change replaces asparagine, which is neutral and polar, with lysine, which is basic and polar, at codon 413 of the EGFR protein (p.Asn413Lys).

NM_005228.5(EGFR):c.1239C>G (p.Asn413Lys)

Gene: EGFR (epidermal growth factor receptor; plus strand). Cytogenetic location: 7p11.2.
Variant type: single nucleotide variant.
Coding change: c.1239C>G on transcript NM_005228.5 (MANE Select); coding-DNA position 1239, C replaced by G.
Protein change: p.Asn413Lys; replaces asparagine 413 with lysine.
Molecular consequence: missense variant.
Genome position (GRCh38, 1-based): chr7:55,157,694, C>G. VCF-style: chr7-55157694-C-G. GRCh37 (hg19) VCF-style: chr7-55225387-C-G.
Other names: c.1104C>G, p.Asn368Lys (NM_001346897.2, NM_001346899.2); c.1239C>G, p.Asn413Lys (NM_001346898.2, NM_201282.2, NM_201284.2); c.1080C>G, p.Asn360Lys (NM_001346900.2); c.438C>G, p.Asn146Lys (NM_001346941.2); short protein forms N146K, N360K, N368K, N413K.
Identifiers: ClinVar variation 2045254 (VCV002045254.4), dbSNP rs2128939657, ClinGen allele CA367579159.
Genomic context (GRCh38, chr7:55,157,694, plus strand): 5'-GTGTCTGAAGTCTTTCATCTGCCTTACAGGGTTTTTGCTGATTCAGGCTTGGCCTGAAAA[C>G]AGGACGGACCTCCATGCCTTTGAGAACCTAGAAATCATACGCGGCAGGACCAAGCAACAG-3'
Protein context (NP_005219.2, residues 403-423): GFLLIQAWPE[Asn413Lys]RTDLHAFENL